The following is an entry in ClinVar:

NR_026716.2:n.127C>T

Variant type: single nucleotide variant.
Molecular consequence: non-coding transcript variant (on NR_026716.2).
Genome position: GRCh38 VCF-style: chr19-54532818-C-T. GRCh37 (hg19) VCF-style: chr19-55044035-C-T.
Identifiers: ClinVar variation 5040793 (VCV005040793.1).

ClinVar aggregate classification (germline): Likely benign (1 of 4 stars; one submission).

Submission:

CeGaT Center for Human Genetics Tuebingen
Classification: Likely benign. Last evaluated: 2026-09-01. Review status: criteria provided, single submitter. Criteria: CeGaT Center For Human Genetics Tuebingen Variant Classification Criteria Version 2. Collection method: clinical testing. Allele origin: germline. Affected: yes. Observed: 1 variant allele.
Comment: KIR3DX1: BP4, BP7